The following is an entry in ClinVar:

ClinVar aggregate classification (germline): Benign. Review status: criteria provided, multiple submitters, no conflicts (2 of 4 stars). 8 submissions from 8 submitters: Benign (7). 1 of the submissions does not count toward it. Last evaluated 2026-02-04.

Conditions:
Ehlers-Danlos syndrome, dermatosparaxis type. Also called: Ehlers-Danlos syndrome, type VII, autosomal recessive; EDS VIIC; Dermatosparaxis. Identifiers: Orphanet 1901, MedGen C2700425, MONDO:0009161, OMIM 225410.

Allele frequency attached by ClinVar (database versions not stated): 1000 Genomes Project 0.03015; 1000 Genomes Project 30x 0.03123; TOPMed 0.04769; gnomAD 0.04793 and 0.04871; ESP Exome Variant Server 0.05182; ExAC 0.05631; gnomAD exomes 0.05799 and 0.06300.
gnomAD v4.1: 98,879 of 1,613,784 alleles (6.1%); highest among the groups gnomAD compares: Admixed American, 8.9%; 3,348 homozygotes.

Submissions (8):

Labcorp Genetics (formerly Invitae), Labcorp
Classification: Benign for Ehlers-Danlos syndrome, dermatosparaxis type. Last evaluated: 2026-02-04. Review status: criteria provided, single submitter. Criteria: Invitae Variant Classification Sherloc (09022015). Collection method: clinical testing. Allele origin: germline.

Blueprint Genetics
Classification: Benign. Last evaluated: 2024-11-26. Review status: criteria provided, single submitter. Criteria: ACMG Guidelines, 2015. Collection method: clinical testing. Allele origin: germline.

Genome-Nilou Lab
Classification: Benign for Ehlers-Danlos syndrome, dermatosparaxis type. Last evaluated: 2021-07-10. Review status: criteria provided, single submitter. Criteria: ACMG Guidelines, 2015. Collection method: clinical testing. Allele origin: germline. Affected: no.

Mayo Clinic Laboratories, Mayo Clinic
Classification: Benign. Last evaluated: 2019-03-13. Review status: criteria provided, single submitter. Criteria: ACMG Guidelines, 2015. Collection method: clinical testing. Allele origin: germline. Observed: 541 variant alleles.

Women's Health and Genetics/Laboratory Corporation of America, LabCorp
Classification: Benign. Last evaluated: 2018-08-26. Review status: criteria provided, single submitter. Criteria: LabCorp Variant Classification Summary - May 2015. Collection method: clinical testing. Allele origin: germline.
Comment: Variant summary: ADAMTS2 c.2291-8A>G alters a non-conserved nucleotide located close to a canonical splice site and therefore could affect mRNA splicing, leading to a significantly altered protein sequence. 4/5 computational tools predict no significant impact on normal splicing. However, these predictions have yet to be confirmed by functional studies. The variant allele was found at a frequency of 0.057 in 276878 control chromosomes in the gnomAD database, including 555 homozygotes. The observed variant frequency is approximately 20-folds higher than the estimated maximal expected allele frequency for a pathogenic variant in ADAMTS2 causing Ehlers-Danlos Syndrome, Type VIIC (Dermatosparaxis) phenotype (0.0029), strongly suggesting that the variant is benign. To our knowledge, no occurrence of c.2291-8A>G in individuals affected with Ehlers-Danlos Syndrome, Type VIIC (Dermatosparaxis) and no experimental evidence demonstrating its impact on protein function have been reported. Two ClinVar submissions from other clinical diagnostic laboratories (evaluation after 2014) cites the variant as likely benign/benign. Based on the evidence outlined above, the variant was classified as benign.

Illumina Laboratory Services, Illumina
Classification: Benign for Ehlers-Danlos syndrome, dermatosparaxis type. Last evaluated: 2018-01-13. Review status: criteria provided, single submitter. Criteria: ICSL Variant Classification Criteria 13 December 2019. Collection method: clinical testing. Allele origin: germline.
Comment: This variant was observed in the ICSL laboratory as part of a predisposition screen in an ostensibly healthy population. It had not been previously curated by ICSL or reported in the Human Gene Mutation Database (HGMD: prior to June 1st, 2018), and was therefore a candidate for classification through an automated scoring system. Utilizing variant allele frequency, disease prevalence and penetrance estimates, and inheritance mode, an automated score was calculated to assess if this variant is too frequent to cause the disease. Based on the score and internal cut-off values, a variant classified as benign is not then subjected to further curation. The score for this variant resulted in a classification of benign for this disease.

GeneDx
Classification: Benign. Last evaluated: 2016-10-04. Review status: criteria provided, single submitter. Criteria: GeneDx Variant Classification (06012015). Collection method: clinical testing. Allele origin: germline. Affected: yes.
Comment: This variant is considered likely benign or benign based on one or more of the following criteria: it is a conservative change, it occurs at a poorly conserved position in the protein, it is predicted to be benign by multiple in silico algorithms, and/or has population frequency not consistent with disease.

Natera, Inc.
Classification: Benign for Ehlers-Danlos syndrome type VIIC. Last evaluated: 2020-09-16. Review status: no assertion criteria provided. Collection method: clinical testing. Allele origin: germline. Not counted in ClinVar's aggregate classification.

NM_014244.5(ADAMTS2):c.2291-8A>G

Gene: ADAMTS2 (ADAM metallopeptidase with thrombospondin type 1 motif 2; minus strand). Cytogenetic location: 5q35.3.
Variant type: single nucleotide variant.
Coding change: c.2291-8A>G on transcript NM_014244.5 (MANE Select); 8 bases into the intron before coding-DNA position 2291, A replaced by G.
Molecular consequence: intron variant.
Genome position (GRCh38, 1-based): chr5:179,130,106, T>C on the plus strand (A>G on the coding strand, the complement: ADAMTS2 is on the minus strand). VCF-style: chr5-179130106-T-C. GRCh37 (hg19) VCF-style: chr5-178557107-T-C.
Other names: p.?.
Identifiers: ClinVar variation 353107 (VCV000353107.20), dbSNP rs140401199, ClinGen allele CA3595589.